The following is an entry in ClinVar:

NM_001243925.2(MAPKAPK3):c.436A>G (p.Ile146Val)

Gene: MAPKAPK3 (MAPK activated protein kinase 3; plus strand). Cytogenetic location: 3p21.2.
Variant type: single nucleotide variant.
Coding change: c.436A>G on transcript NM_001243925.2 (MANE Select); coding-DNA position 436, A replaced by G.
Protein change: p.Ile146Val; replaces isoleucine 146 with valine.
Molecular consequence: missense variant.
Genome position (GRCh38, 1-based): chr3:50,642,264, A>G. VCF-style: chr3-50642264-A-G. GRCh37 (hg19) VCF-style: chr3-50679695-A-G.
Other names: c.436A>G, p.Ile146Val (NM_001243926.2, NM_004635.5); short protein forms I146V.
Identifiers: ClinVar variation 2852080 (VCV002852080.3), dbSNP rs2471700352, ClinGen allele CA352927623.

ClinVar aggregate classification (germline): Uncertain significance (1 of 4 stars; one submission).

Submission:

Labcorp Genetics (formerly Invitae), Labcorp
Classification: Uncertain significance. Last evaluated: 2023-04-04. Review status: criteria provided, single submitter. Criteria: Invitae Variant Classification Sherloc (09022015). Collection method: clinical testing. Allele origin: germline.
Comment: This sequence change replaces isoleucine, which is neutral and non-polar, with valine, which is neutral and non-polar, at codon 146 of the MAPKAPK3 protein (p.Ile146Val). This variant is not present in population databases (gnomAD no frequency). This variant has not been reported in the literature in individuals affected with MAPKAPK3-related conditions. An algorithm developed to predict the effect of missense changes on protein structure and function (PolyPhen-2) suggests that this variant is likely to be tolerated. In summary, the available evidence is currently insufficient to determine the role of this variant in disease. Therefore, it has been classified as a Variant of Uncertain Significance.